The following is an entry in ClinVar:

ClinVar aggregate classification (germline): Conflicting classifications of pathogenicity. Review status: criteria provided, conflicting classifications (1 of 4 stars). 2 submissions from 2 submitters: Likely pathogenic (1); Uncertain significance (1). Last evaluated 2026-01-28.

Conditions:
Hereditary cancer-predisposing syndrome. Also called: Tumor predisposition; Neoplastic Syndromes, Hereditary; Hereditary neoplastic syndrome; Hereditary Cancer Syndrome. Identifiers: Orphanet 140162, MedGen C0027672, MeSH D009386, MONDO:0015356.
Ataxia-telangiectasia syndrome (AT). Also called: Ataxia-telangiectasia, complementation group D; AT, COMPLEMENTATION GROUP C; ATAXIA-TELANGIECTASIA, COMPLEMENTATION GROUP A; ATAXIA-TELANGIECTASIA, FRESNO VARIANT; Ataxia-telangiectasia; Ataxia telangiectasia (A-T). Identifiers: Orphanet 100, MedGen C0004135, MONDO:0008840, OMIM 208900.

Submissions (2):

Labcorp Genetics (formerly Invitae), Labcorp
Classification: Likely pathogenic for Ataxia-telangiectasia syndrome. Last evaluated: 2026-01-28. Review status: criteria provided, single submitter. Criteria: Invitae Variant Classification Sherloc (09022015). Collection method: clinical testing. Allele origin: germline.
Comment: This sequence change replaces isoleucine, which is neutral and non-polar, with threonine, which is neutral and polar, at codon 2702 of the ATM protein (p.Ile2702Thr). This variant is not present in population databases (gnomAD no frequency). This missense change has been observed in individual(s) with ataxia-telangiectasia (PMID: 21665257). ClinVar contains an entry for this variant (Variation ID: 1001554). Invitae Evidence Modeling of protein sequence and biophysical properties (such as structural, functional, and spatial information, amino acid conservation, physicochemical variation, residue mobility, and thermodynamic stability) indicates that this missense variant is expected to disrupt ATM protein function with a positive predictive value of 95%. This variant disrupts the p.Ile2702 amino acid residue in ATM. Other variant(s) that disrupt this residue have been determined to be pathogenic (PMID: 10873394, 12815592). This suggests that this residue is clinically significant, and that variants that disrupt this residue are likely to be disease-causing. In summary, the currently available evidence indicates that the variant is pathogenic, but additional data are needed to prove that conclusively. Therefore, this variant has been classified as Likely Pathogenic.

Ambry Genetics
Classification: Uncertain significance for Hereditary cancer-predisposing syndrome. Last evaluated: 2024-04-02. Review status: criteria provided, single submitter. Criteria: Ambry Variant Classification Scheme 2023. Collection method: clinical testing. Allele origin: germline.
Comment: The p.I2702T variant (also known as c.8105T>C), located in coding exon 54 of the ATM gene, results from a T to C substitution at nucleotide position 8105. The isoleucine at codon 2702 is replaced by threonine, an amino acid with similar properties. This alteration has been previously reported in an individual with a clinical diagnosis of ataxia-telangiectasia (AT) along with another ATM nonsense alteration; however, information about the phase (cis vs trans) of these two alterations was not provided (Micol R et al. J. Allergy Clin. Immunol., 2011 Aug;128:382-9.e1). This amino acid position is highly conserved in available vertebrate species. In addition, this alteration is predicted to be deleterious by in silico analysis. Since supporting evidence is limited at this time, the clinical significance of this alteration remains unclear.

Literature cited by the submitters: PubMed 21665257 (cited by Labcorp Genetics (formerly Invitae), Labcorp and Ambry Genetics); PubMed 10873394 (cited by Labcorp Genetics (formerly Invitae), Labcorp); PubMed 12815592 (cited by Labcorp Genetics (formerly Invitae), Labcorp).

NM_000051.4(ATM):c.8105T>C (p.Ile2702Thr)

Genes: ATM (ATM serine/threonine kinase; plus strand), C11orf65 (chromosome 11 open reading frame 65; minus strand). Cytogenetic location: 11q22.3.
Variant type: single nucleotide variant.
Coding change: c.8105T>C on transcript NM_000051.4 (MANE Select); coding-DNA position 8105, T replaced by C.
Protein change: p.Ile2702Thr; replaces isoleucine 2702 with threonine.
Molecular consequence: missense variant. On other transcripts: intron variant (2).
Genome position (GRCh38, 1-based): chr11:108,335,063, T>C. VCF-style: chr11-108335063-T-C. GRCh37 (hg19) VCF-style: chr11-108205790-T-C.
Other names: c.8105T>C, p.Ile2702Thr (NM_001351834.2); c.641-25992A>G (NM_001330368.2); c.*38+157A>G (NM_001351110.2); short protein forms I2702T.
Identifiers: ClinVar variation 1001554 (VCV001001554.50), dbSNP rs876659735, ClinGen allele CA382562117.
Genomic context (GRCh38, chr11:108,335,063, plus strand): 5'-CTATACAGTCATTTAAAGCAGAATTTCGCTTAGCAGGAGGTGTAAATTTACCAAAAATAA[T>C]AGATTGTGTAGGTTCCGATGGCAAGGAGAGGAGACAGCTTGTTAAGGTGAGCCTTCCCTT-3'
Protein context (NP_000042.3, residues 2692-2712): LAGGVNLPKI[Ile2702Thr]DCVGSDGKER